The following is an entry in ClinVar:

ClinVar aggregate classification (germline): Uncertain significance. Review status: criteria provided, multiple submitters, no conflicts (2 of 4 stars). 2 submissions from 2 submitters: Uncertain significance (2). Last evaluated 2024-07-08.

Allele frequency attached by ClinVar (database versions not stated): gnomAD exomes 0.00001; TOPMed 0.00002; ExAC 0.00003; gnomAD 0.00003 and 0.00004; 1000 Genomes Project 30x 0.00047; 1000 Genomes Project 0.00060.

Submissions (2):

Blueprint Genetics
Classification: Uncertain significance. Last evaluated: 2024-07-08. Review status: criteria provided, single submitter. Criteria: ACMG Guidelines, 2015. Collection method: clinical testing. Allele origin: germline.

Labcorp Genetics (formerly Invitae), Labcorp
Classification: Uncertain significance. Last evaluated: 2022-08-22. Review status: criteria provided, single submitter. Criteria: Invitae Variant Classification Sherloc (09022015). Collection method: clinical testing. Allele origin: germline.
Comment: This sequence change replaces methionine, which is neutral and non-polar, with valine, which is neutral and non-polar, at codon 1036 of the NBAS protein (p.Met1036Val). This variant is present in population databases (rs149798569, gnomAD 0.008%). This variant has not been reported in the literature in individuals affected with NBAS-related conditions. ClinVar contains an entry for this variant (Variation ID: 1488569). Algorithms developed to predict the effect of missense changes on protein structure and function are either unavailable or do not agree on the potential impact of this missense change (SIFT: "Deleterious"; PolyPhen-2: "Benign"; Align-GVGD: "Class C15"). In summary, the available evidence is currently insufficient to determine the role of this variant in disease. Therefore, it has been classified as a Variant of Uncertain Significance.

NM_015909.4(NBAS):c.3106A>G (p.Met1036Val)

Gene: NBAS (NBAS subunit of NRZ tethering complex; minus strand). Cytogenetic location: 2p24.3.
Variant type: single nucleotide variant.
Coding change: c.3106A>G on transcript NM_015909.4 (MANE Select); coding-DNA position 3106, A replaced by G.
Protein change: p.Met1036Val; replaces methionine 1036 with valine.
Molecular consequence: missense variant. On other transcripts: non-coding transcript variant (1).
Genome position (GRCh38, 1-based): chr2:15,396,441, T>C on the plus strand (A>G on the coding strand, the complement: NBAS is on the minus strand). VCF-style: chr2-15396441-T-C. GRCh37 (hg19) VCF-style: chr2-15536565-T-C.
Other names: short protein forms M1036V.
Identifiers: ClinVar variation 1488569 (VCV001488569.4), dbSNP rs149798569, ClinGen allele CA1536156.